The following is an entry in ClinVar:

NM_031844.3(HNRNPU):c.1190G>A (p.Gly397Glu)

Gene: HNRNPU (heterogeneous nuclear ribonucleoprotein U; minus strand). Cytogenetic location: 1q44.
Variant type: single nucleotide variant.
Coding change: c.1190G>A on transcript NM_031844.3 (MANE Select); coding-DNA position 1190, G replaced by A.
Protein change: p.Gly397Glu; replaces glycine 397 with glutamic acid.
Molecular consequence: missense variant.
Genome position (GRCh38, 1-based): chr1:244,858,769, C>T on the plus strand (G>A on the coding strand, the complement: HNRNPU is on the minus strand). VCF-style: chr1-244858769-C-T. GRCh37 (hg19) VCF-style: chr1-245022071-C-T.
Other names: c.1133G>A, p.Gly378Glu (NM_004501.3); short protein forms G378E, G397E.
Identifiers: ClinVar variation 3642400 (VCV003642400.2).
Genomic context (GRCh38, chr1:244,858,769, plus strand): 5'-GAAAGTTAGCTTTAACTTACAGCAAAACATGTAATCACATCATTTTCATCAAACTTTTCT[C>T]CATAATCTTCAGTCTCACAGTTGCATGTTTTTATTCCTTTTAGAGAATACCCATAAGAAA-3'
Protein context (NP_114032.2, residues 387-407): KTCNCETEDY[Gly397Glu]EKFDENDVIT

ClinVar aggregate classification (germline): Uncertain significance (1 of 4 stars; one submission).

Conditions:
Developmental and epileptic encephalopathy, 54. Also called: Epileptic encephalopathy, early infantile, 54; HNRNPU-Related Neurodevelopmental Disorder. Identifiers: MedGen C4479319, MONDO:0033363, OMIM 617391.

Submission:

Labcorp Genetics (formerly Invitae), Labcorp
Classification: Uncertain significance for Developmental and epileptic encephalopathy, 54. Last evaluated: 2024-02-22. Review status: criteria provided, single submitter. Criteria: Invitae Variant Classification Sherloc (09022015). Collection method: clinical testing. Allele origin: germline.
Comment: This sequence change replaces glycine, which is neutral and non-polar, with glutamic acid, which is acidic and polar, at codon 397 of the HNRNPU protein (p.Gly397Glu). This variant is present in population databases (rs752493999, gnomAD 0.003%). This variant has not been reported in the literature in individuals affected with HNRNPU-related conditions. Advanced modeling of protein sequence and biophysical properties (such as structural, functional, and spatial information, amino acid conservation, physicochemical variation, residue mobility, and thermodynamic stability) performed at Invitae indicates that this missense variant is expected to disrupt HNRNPU protein function with a positive predictive value of 80%. In summary, the available evidence is currently insufficient to determine the role of this variant in disease. Therefore, it has been classified as a Variant of Uncertain Significance.